The following is an entry in ClinVar:

NM_005723.4(TSPAN5):c.268C>A (p.Leu90Ile)

Gene: TSPAN5 (tetraspanin 5; minus strand). Cytogenetic location: 4q23.
Variant type: single nucleotide variant.
Coding change: c.268C>A on transcript NM_005723.4 (MANE Select); coding-DNA position 268, C replaced by A.
Protein change: p.Leu90Ile; replaces leucine 90 with isoleucine.
Molecular consequence: missense variant.
Genome position (GRCh38, 1-based): chr4:98,486,749, G>T on the plus strand (C>A on the coding strand, the complement: TSPAN5 is on the minus strand). VCF-style: chr4-98486749-G-T. GRCh37 (hg19) VCF-style: chr4-99407900-G-T.
Other names: short protein forms L90I.
Identifiers: ClinVar variation 161639 (VCV000161639.2), dbSNP rs193921080, ClinGen allele CA174510.
Genomic context (GRCh38, chr4:98,486,749, plus strand): 5'-AAGGTAAAGTTTTGGCTCTCAATCTGAGAGTAGAGAGTGGAATACTTACAAACTTGAGAA[G>T]GAAAGTGTTTTCCCGTAGCGCTCCAATGCACCCTGCAAATCCCAAAATGAACATCACTCC-3'
Protein context (NP_005714.2, residues 80-100): CIGALRENTF[Leu90Ile]LKFFSVFLGI

ClinVar aggregate classification (germline): Uncertain significance (0 of 4 stars; one submission).

Conditions:
Prostate cancer. Also called: Malignant tumor of prostate. Identifiers: Orphanet 1331, MedGen C0376358, MONDO:0008315, HP:0012125.

Submission:

Science for Life laboratory,  Karolinska Institutet
Classification: Uncertain significance for Malignant tumor of prostate. Review status: no assertion criteria provided. Collection method: not provided. Allele origin: somatic.
Comment: TumorID:SWE-90B
ClinVar note: Converted during submission from Unknown to Uncertain significance.